The following is an entry in ClinVar:

NM_006734.4(HIVEP2):c.1043A>C (p.Asp348Ala)

Gene: HIVEP2 (HIVEP zinc finger 2; minus strand). Cytogenetic location: 6q24.2.
Variant type: single nucleotide variant.
Coding change: c.1043A>C on transcript NM_006734.4 (MANE Select); coding-DNA position 1043, A replaced by C.
Protein change: p.Asp348Ala; replaces aspartic acid 348 with alanine.
Molecular consequence: missense variant.
Genome position (GRCh38, 1-based): chr6:142,773,696, T>G on the plus strand (A>C on the coding strand, the complement: HIVEP2 is on the minus strand). VCF-style: chr6-142773696-T-G. GRCh37 (hg19) VCF-style: chr6-143094833-T-G.
Other names: short protein forms D348A.
Identifiers: ClinVar variation 3681212 (VCV003681212.3).
Genomic context (GRCh38, chr6:142,773,696, plus strand): 5'-TTCTGTTTGACTGTGTGCGAATCATCAGCCTTAGTATTTAAAGATGGATTTGGTAGCATA[T>G]CAGGGCCAATATACTGAGAGCTTTCATTAGGGAGAGGAATCCCACTTTTAGGGATAATCA-3'
Protein context (NP_006725.3, residues 338-358): PNESSQYIGP[Asp348Ala]MLPNPSLNTK

ClinVar aggregate classification (germline): Uncertain significance. Review status: criteria provided, multiple submitters, no conflicts (2 of 4 stars). 2 submissions from 2 submitters: Uncertain significance (2). Last evaluated 2025-02-25.

Conditions:
Intellectual developmental disorder, autosomal dominant 43. Also called: Intellectual disability, autosomal dominant 43. Identifiers: MedGen C4707429, MONDO:0014858, OMIM 616977.

Submissions (2):

Labcorp Genetics (formerly Invitae), Labcorp
Classification: Uncertain significance. Last evaluated: 2025-02-25. Review status: criteria provided, single submitter. Criteria: Invitae Variant Classification Sherloc (09022015). Collection method: clinical testing. Allele origin: germline.
Comment: This sequence change replaces aspartic acid, which is acidic and polar, with alanine, which is neutral and non-polar, at codon 348 of the HIVEP2 protein (p.Asp348Ala). This variant is not present in population databases (gnomAD no frequency). This variant has not been reported in the literature in individuals affected with HIVEP2-related conditions. An algorithm developed to predict the effect of missense changes on protein structure and function (PolyPhen-2) suggests that this variant is likely to be tolerated. In summary, the available evidence is currently insufficient to determine the role of this variant in disease. Therefore, it has been classified as a Variant of Uncertain Significance.

Laboratorio de Genetica e Diagnostico Molecular, Hospital Israelita Albert Einstein
Classification: Uncertain significance for Intellectual developmental disorder, autosomal dominant 43. Last evaluated: 2022-10-20. Review status: criteria provided, single submitter. Criteria: ACMG Guidelines, 2015. Collection method: clinical testing. Allele origin: germline. Affected: yes.
Comment: ACMG classification criteria: PM2 moderate, BP4 supporting